The following is an entry in ClinVar:

NC_000009.12:g.35658033A>C

Gene: RMRP (RNA component of mitochondrial RNA processing endoribonuclease; minus strand). Cytogenetic location: 9p13.3.
Variant type: single nucleotide variant.
Genome position: GRCh38 VCF-style: chr9-35658033-A-C. GRCh37 (hg19) VCF-style: chr9-35658030-A-C.
Identifiers: ClinVar variation 1913333 (VCV001913333.2), dbSNP rs765292137, ClinGen allele CA587570241.

ClinVar aggregate classification (germline): Uncertain significance (1 of 4 stars; one submission).

Conditions:
Anauxetic dysplasia. Identifiers: Orphanet 93347, MedGen C1846796, MONDO:0011773.

Submission:

Labcorp Genetics (formerly Invitae), Labcorp
Classification: Uncertain significance for Anauxetic dysplasia. Last evaluated: 2021-08-06. Review status: criteria provided, single submitter. Criteria: Invitae Variant Classification Sherloc (09022015). Collection method: clinical testing. Allele origin: germline.
Comment: This variant occurs in the RMRP gene, which encodes an RNA molecule that does not result in a protein product. The frequency data for this variant in the population databases is considered unreliable, as metrics indicate insufficient coverage at this position in the ExAC database. This variant has not been reported in the literature in individuals with RMRP-related conditions. Experimental studies and prediction algorithms are not available or were not evaluated, and the functional significance of this variant is currently unknown. In summary, the available evidence is currently insufficient to determine the role of this variant in disease. Therefore, it has been classified as a Variant of Uncertain Significance.